The following is an entry in ClinVar:

ClinVar aggregate classification (germline): Uncertain significance. Review status: criteria provided, multiple submitters, no conflicts (2 of 4 stars). 2 submissions from 2 submitters: Uncertain significance (2). Last evaluated 2025-10-07.

Conditions:
Hereditary cancer-predisposing syndrome. Also called: Tumor predisposition; Neoplastic Syndromes, Hereditary; Hereditary Cancer Syndrome; Hereditary neoplastic syndrome. Identifiers: Orphanet 140162, MedGen C0027672, MeSH D009386, MONDO:0015356.
Familial adenomatous polyposis 1 (FAP1). Also called: POLYPOSIS, ADENOMATOUS INTESTINAL; FAMILIAL ADENOMATOUS POLYPOSIS 1, ATTENUATED. Identifiers: MedGen C2713442, MONDO:0021056, OMIM 175100. Disease mechanism: loss of function.

Submissions (2):

Labcorp Genetics (formerly Invitae), Labcorp
Classification: Uncertain significance for Familial adenomatous polyposis 1. Last evaluated: 2025-10-07. Review status: criteria provided, single submitter. Criteria: Invitae Variant Classification Sherloc (09022015). Collection method: clinical testing. Allele origin: germline.
Comment: This sequence change replaces serine, which is neutral and polar, with proline, which is neutral and non-polar, at codon 1664 of the APC protein (p.Ser1664Pro). This variant is not present in population databases (gnomAD no frequency). This variant has not been reported in the literature in individuals affected with APC-related conditions. ClinVar contains an entry for this variant (Variation ID: 3882092). Invitae Evidence Modeling of protein sequence and biophysical properties (such as structural, functional, and spatial information, amino acid conservation, physicochemical variation, residue mobility, and thermodynamic stability) indicates that this missense variant is not expected to disrupt APC protein function with a negative predictive value of 95%. In summary, the available evidence is currently insufficient to determine the role of this variant in disease. Therefore, it has been classified as a Variant of Uncertain Significance.

Ambry Genetics
Classification: Uncertain significance for Hereditary cancer-predisposing syndrome. Last evaluated: 2025-01-27. Review status: criteria provided, single submitter. Criteria: Ambry Variant Classification Scheme 2023. Collection method: clinical testing. Allele origin: germline.
Comment: The p.S1664P variant (also known as c.4990T>C), located in coding exon 15 of the APC gene, results from a T to C substitution at nucleotide position 4990. The serine at codon 1664 is replaced by proline, an amino acid with similar properties. This amino acid position is conserved. In addition, in silico predictors for this gene do not accurately predict pathogenicity. Based on the available evidence, the clinical significance of this variant remains unclear.

NM_000038.6(APC):c.4990T>C (p.Ser1664Pro)

Gene: APC (APC regulator of Wnt signaling pathway; plus strand). Cytogenetic location: 5q22.2.
Variant type: single nucleotide variant.
Coding change: c.4990T>C on transcript NM_000038.6 (MANE Select); coding-DNA position 4990, T replaced by C.
Protein change: p.Ser1664Pro; replaces serine 1664 with proline.
Molecular consequence: missense variant. On other transcripts: non-coding transcript variant (2).
Genome position (GRCh38, 1-based): chr5:112,840,584, T>C. VCF-style: chr5-112840584-T-C. GRCh37 (hg19) VCF-style: chr5-112176281-T-C.
Other names: c.4990T>C, p.Ser1664Pro (NM_001127510.3, NM_001354895.2, NM_001407450.1); c.4936T>C, p.Ser1646Pro (NM_001127511.3); c.5044T>C, p.Ser1682Pro (NM_001354896.2, NM_001407447.1, NM_001407448.1 and 1 more transcripts); c.5020T>C, p.Ser1674Pro (NM_001354897.2); c.4915T>C, p.Ser1639Pro (NM_001354898.2); c.4906T>C, p.Ser1636Pro (NM_001354899.2); c.4867T>C, p.Ser1623Pro (NM_001354900.2); c.4813T>C, p.Ser1605Pro (NM_001354901.2, NM_001407453.1); and 11 more; short protein forms S1381P, S1535P, S1605P, S1654P, S1664P, S1674P, S1280P, S1538P.
Identifiers: ClinVar variation 3882092 (VCV003882092.2).